The following is an entry in ClinVar:

ClinVar aggregate classification (germline): Uncertain significance. Review status: reviewed by expert panel (3 of 4 stars). 2 submissions from 2 submitters: Uncertain significance (1). 1 of the submissions does not count toward it. Last evaluated 2021-02-14.

Conditions:
Phenylketonuria (PKU). Also called: Phenylketonuria (PKU); FOLLING DISEASE; OLIGOPHRENIA PHENYLPYRUVICA; Phenylketonurias. Identifiers: Orphanet 716, MedGen C0031485, MONDO:0009861, OMIM 261600. Disease mechanism: loss of function.

Submissions (2):

ClinGen PAH Variant Curation Expert Panel
Classification: Uncertain significance for Phenylketonuria. Last evaluated: 2021-02-14. Review status: reviewed by expert panel. Criteria: ClinGen PAH ACMG Specifications v1. Collection method: curation. Allele origin: germline. Inheritance: Autosomal recessive inheritance.
Comment: The c.175G>T (p.Asp59Tyr) variant in PAH has been reported in 1 individual with mild hyperphenylalaninaemia (BH4 deficiency excluded). (PP4_Moderate; PMID: 10234516). This variant has is absent in population databases. This variant was detected with A403V (Pathogenic in ClinVar) (PM3_supporting; PMID: 10234516). Computational evidence is conflicting. In summary, this variant meets criteria to be classified as uncertain significance for PAH. PAH-specific ACMG/AMP criteria applied: PP4_Moderate, PM2, PM3_supporting.

DeBelle Laboratory for Biochemical Genetics, MUHC/MCH RESEARCH INSTITUTE
No classification provided. Review status: no classification provided. Collection method: not provided. Allele origin: not provided. Not counted in ClinVar's aggregate classification.

Literature cited by the submitters: PubMed 10234516 (cited by ClinGen PAH Variant Curation Expert Panel).

NM_000277.3(PAH):c.175G>T (p.Asp59Tyr)

Gene: PAH (phenylalanine hydroxylase; minus strand). Cytogenetic location: 12q23.2.
Variant type: single nucleotide variant.
Coding change: c.175G>T on transcript NM_000277.3 (MANE Select); coding-DNA position 175, G replaced by T.
Protein change: p.Asp59Tyr; replaces aspartic acid 59 with tyrosine.
Molecular consequence: missense variant.
Genome position (GRCh38, 1-based): chr12:102,894,912, C>A on the plus strand (G>T on the coding strand, the complement: PAH is on the minus strand). VCF-style: chr12-102894912-C-A. GRCh37 (hg19) VCF-style: chr12-103288690-C-A.
Other names: NM_000277.2(PAH):c.175G>T; p.Asp59Tyr; c.175G>T, p.Asp59Tyr (NM_001354304.2); short protein forms D59Y.
Identifiers: ClinVar variation 102615 (VCV000102615.2), dbSNP rs199475635, ClinGen allele CA229466.